The following is an entry in ClinVar:

NM_000202.8(IDS):c.613G>C (p.Ala205Pro)

Genes: IDS (iduronate 2-sulfatase; minus strand), LOC106050102 (IDS recombination region; plus strand). Cytogenetic location: Xq28.
Variant type: single nucleotide variant.
Coding change: c.613G>C on transcript NM_000202.8 (MANE Select); coding-DNA position 613, G replaced by C.
Protein change: p.Ala205Pro; replaces alanine 205 with proline.
Molecular consequence: missense variant. On other transcripts: non-coding transcript variant (1).
Genome position (GRCh38, 1-based): chrX:149,498,202, C>G on the plus strand (G>C on the coding strand, the complement: IDS is on the minus strand). VCF-style: chrX-149498202-C-G. GRCh37 (hg19) VCF-style: chrX-148579733-C-G.
Other names: c.343G>C, p.Ala115Pro (NM_001166550.4); c.613G>C, p.Ala205Pro (NM_006123.5); short protein forms A205P, A115P.
Identifiers: ClinVar variation 221223 (VCV000221223.4), dbSNP rs864622779, ClinGen allele CA348757.

ClinVar aggregate classification (germline): Pathogenic. Review status: criteria provided, multiple submitters, no conflicts (2 of 4 stars). 2 submissions from 2 submitters: Pathogenic (2). Last evaluated 2024-06-07.

Conditions:
Mucopolysaccharidosis, MPS-II (MPS2). Also called: Hunter Syndrome; Mucopolysaccharidosis with skin involvement; Mucopolysaccharidosis type 2; IDURONATE 2-SULFATASE DEFICIENCY; Mucopolysaccharidosis Type II; IDS deficiency. Identifiers: Orphanet 580, Orphanet 79388, MedGen C0026705, MONDO:0010674, OMIM 309900.

Submissions (2):

Laboratory of Diagnosis and Therapy of Lysosomal Disorders, University of Padova
Classification: Pathogenic for Mucopolysaccharidosis, MPS-II. Last evaluated: 2024-06-07. Review status: criteria provided, single submitter. Criteria: ACMG Guidelines, 2015. Collection method: literature only. Allele origin: germline. Affected: yes. Observed: 1 variant allele.
Comment: Absent from controls (or at low frequency) in gnomAD database (PM2_Moderate), Missense change at the same amino acid residue as a pathogenic variant (PM5_Moderate), Missense variant in a gene with a low rate of benign missense variation (PP2_Supporting), Multiple lines of computational evidence support a deleterious effect (PP3_Supporting), Patient’s phenotype or family history highly specific for the disease (PP4_Strong)

Classification method: ACMG Guidelines [PMID:25741868] with modifications

IIFP, CONICET-UNLP
Classification: Pathogenic for Mucopolysaccharidosis, MPS-II. Last evaluated: 2015-05-07. Review status: criteria provided, single submitter. Criteria: ACMG Guidelines, 2007. Collection method: research. Allele origin: maternal. Inheritance: X-linked inheritance. Affected: yes. Observed: 1 variant allele.

Literature cited by the submitters: PubMed 8664909 (cited by Laboratory of Diagnosis and Therapy of Lysosomal Disorders, University of Padova).